The following is an entry in ClinVar:

ClinVar aggregate classification (germline): Uncertain significance (1 of 4 stars; one submission).

Conditions:
Hyperinsulinism-hyperammonemia syndrome (HHF6). Identifiers: Orphanet 35878, MedGen C1847555, MONDO:0011717, OMIM 606762.

Submission:

Labcorp Genetics (formerly Invitae), Labcorp
Classification: Uncertain significance for Hyperinsulinism-hyperammonemia syndrome. Last evaluated: 2025-02-04. Review status: criteria provided, single submitter. Criteria: Invitae Variant Classification Sherloc (09022015). Collection method: clinical testing. Allele origin: germline.
Comment: This sequence change replaces isoleucine, which is neutral and non-polar, with asparagine, which is neutral and polar, at codon 219 of the GLUD1 protein (p.Ile219Asn). This variant is not present in population databases (gnomAD no frequency). This variant has not been reported in the literature in individuals affected with GLUD1-related conditions. Invitae Evidence Modeling of protein sequence and biophysical properties (such as structural, functional, and spatial information, amino acid conservation, physicochemical variation, residue mobility, and thermodynamic stability) indicates that this missense variant is not expected to disrupt GLUD1 protein function with a negative predictive value of 80%. In summary, the available evidence is currently insufficient to determine the role of this variant in disease. Therefore, it has been classified as a Variant of Uncertain Significance.

NM_005271.5(GLUD1):c.656T>A (p.Ile219Asn)

Gene: GLUD1 (glutamate dehydrogenase 1; minus strand). Cytogenetic location: 10q23.2.
Variant type: single nucleotide variant.
Coding change: c.656T>A on transcript NM_005271.5 (MANE Select); coding-DNA position 656, T replaced by A.
Protein change: p.Ile219Asn; replaces isoleucine 219 with asparagine.
Molecular consequence: missense variant.
Genome position (GRCh38, 1-based): chr10:87,068,148, A>T on the plus strand (T>A on the coding strand, the complement: GLUD1 is on the minus strand). VCF-style: chr10-87068148-A-T. GRCh37 (hg19) VCF-style: chr10-88827905-A-T.
Other names: c.257T>A, p.Ile86Asn (NM_001318900.1); c.155T>A, p.Ile52Asn (NM_001318901.1, NM_001318902.1, NM_001318904.2 and 2 more transcripts); short protein forms I52N, I219N, I86N.
Identifiers: ClinVar variation 4746654 (VCV004746654.1).